The following is an entry in ClinVar:

NM_020975.6(RET):c.297G>A (p.Arg99=)

Gene: RET (ret proto-oncogene; plus strand). Cytogenetic location: 10q11.21.
Variant type: single nucleotide variant.
Coding change: c.297G>A on transcript NM_020975.6 (MANE Select); coding-DNA position 297, G replaced by A.
Protein change: p.Arg99=; no amino-acid change (arginine 99 retained).
Molecular consequence: synonymous variant. On other transcripts: intron variant (4).
Genome position (GRCh38, 1-based): chr10:43,100,682, G>A. VCF-style: chr10-43100682-G-A. GRCh37 (hg19) VCF-style: chr10-43596130-G-A.
Other names: c.297G>A, p.Arg99= (NM_000323.2, NM_001406743.1, NM_001406744.1 and 34 more transcripts); c.74-8349G>A (NM_001406784.1); c.74-11417G>A (NM_001406794.1, NM_001406792.1, NM_001406793.1).
Identifiers: ClinVar variation 2103150 (VCV002103150.5), dbSNP rs2132664268, ClinGen allele CA469490798.

ClinVar aggregate classification (germline): Likely benign. Review status: criteria provided, multiple submitters, no conflicts (2 of 4 stars). 2 submissions from 2 submitters: Likely benign (2). Last evaluated 2023-06-26.

Conditions:
Multiple endocrine neoplasia, type 2 (MEN2). Identifiers: Orphanet 653, MedGen C4048306, MONDO:0019003. Disease mechanism: gain of function.

gnomAD v4.1: 1 of 1,609,648 alleles (0.000062%); highest among the groups gnomAD compares: Non-Finnish European, 0.000085%; no homozygotes.

Submissions (2):

All of Us Research Program, National Institutes of Health
Classification: Likely benign for Multiple endocrine neoplasia, type 2. Last evaluated: 2023-06-26. Review status: criteria provided, single submitter. Criteria: ACMG Guidelines, 2015. Collection method: clinical testing. Allele origin: germline. Inheritance: Autosomal dominant inheritance. Observed: 1 variant allele, 1 heterozygote.
Comment: This study involves interpretation of variants in research participants for the purpose of population health screening. Participant phenotype was not available at the time of variant classification. Additional details can be found in publication PMID: 35346344, PMCID: PMC8962531

Labcorp Genetics (formerly Invitae), Labcorp
Classification: Likely benign for Multiple endocrine neoplasia, type 2. Last evaluated: 2022-09-01. Review status: criteria provided, single submitter. Criteria: Invitae Variant Classification Sherloc (09022015). Collection method: clinical testing. Allele origin: germline.